The following is an entry in ClinVar:

NM_007294.4(BRCA1):c.4697C>A (p.Ser1566Tyr)

Gene: BRCA1 (BRCA1 DNA repair associated; minus strand). Cytogenetic location: 17q21.31.
Variant type: single nucleotide variant.
Coding change: c.4697C>A on transcript NM_007294.4 (MANE Select); coding-DNA position 4697, C replaced by A.
Protein change: p.Ser1566Tyr; replaces serine 1566 with tyrosine.
Molecular consequence: missense variant. On other transcripts: non-coding transcript variant (1).
Genome position (GRCh38, 1-based): chr17:43,071,217, G>T on the plus strand (C>A on the coding strand, the complement: BRCA1 is on the minus strand). VCF-style: chr17-43071217-G-T. GRCh37 (hg19) VCF-style: chr17-41223234-G-T.
Other names: c.4697C>A, p.Ser1566Tyr (NM_001407596.1, NM_001407597.1, NM_001407598.1 and 8 more transcripts); c.4694C>A, p.Ser1565Tyr (NM_001407610.1, NM_001407611.1, NM_001407612.1 and 17 more transcripts); c.4691C>A, p.Ser1564Tyr (NM_001407627.1, NM_001407628.1, NM_001407629.1 and 14 more transcripts); c.4688C>A, p.Ser1563Tyr (NM_001407644.1, NM_001407645.1); c.4685C>A, p.Ser1562Tyr (NM_001407646.1); c.4682C>A, p.Ser1561Tyr (NM_001407647.1); c.4640C>A, p.Ser1547Tyr (NM_001407648.1); c.4637C>A, p.Ser1546Tyr (NM_001407649.1); and 70 more; short protein forms S1566Y, S1587Y, S462Y, S1519Y, S1439Y, S1453Y, S1454Y, S1476Y.
Identifiers: ClinVar variation 409298 (VCV000409298.20), dbSNP rs1060502325, ClinGen allele CA10592117.
Genomic context (GRCh38, chr17:43,071,217, plus strand): 5'-TCTGGGGCTCTGTCTTCAGAAGGATCAGATTCAGGGTCATCAGAGAAGAGGCTGATTCCA[G>T]ATTCCAGGTAAGGGGTTCCCTCTGAAAGGAATGGGAGAAGTTTAATTTACACAACGATGA-3'
Protein context (NP_009225.1, residues 1556-1576): QDLEGTPYLE[Ser1566Tyr]GISLFSDDPE

ClinVar aggregate classification (germline): Conflicting classifications of pathogenicity. Review status: criteria provided, conflicting classifications (1 of 4 stars). 6 submissions from 6 submitters: Uncertain significance (4); Likely benign (1). 1 of the submissions does not count toward it. Last evaluated 2025-12-03.

Conditions:
BRCA1-related disorder. Also called: BRCA1-related condition.
Hereditary cancer-predisposing syndrome. Also called: Neoplastic Syndromes, Hereditary; Hereditary neoplastic syndrome; Hereditary Cancer Syndrome; Tumor predisposition. Identifiers: Orphanet 140162, MedGen C0027672, MeSH D009386, MONDO:0015356.
Breast-ovarian cancer, familial, susceptibility to, 1 (BROVCA1). Also called: BRCA1 Hereditary Breast and Ovarian Cancer; OVARIAN CANCER, SUSCEPTIBILITY TO. Identifiers: Orphanet 145, MedGen C2676676, MONDO:0011450, OMIM 604370. Disease mechanism: loss of function.
Hereditary breast ovarian cancer syndrome. Also called: Hereditary breast and ovarian cancer syndrome; Breast and ovarian cancer; Hereditary breast and ovarian cancer syndrome (HBOC); Hereditary breast and/or ovarian cancer syndrome; BRCA1- and BRCA2-Associated Hereditary Breast and Ovarian Cancer; Hereditary breast and ovarian cancer. Identifiers: Orphanet 145, MedGen C0677776, MeSH D061325, MONDO:0003582. Disease mechanism: loss of function.
Familial cancer of breast. Also called: Hereditary breast cancer; BREAST CANCER, FAMILIAL; hereditary breast carcinoma. Identifiers: Orphanet 227535, MedGen C0346153, MONDO:0016419, OMIM 114480. Disease mechanism: loss of function.

Allele frequency attached by ClinVar (database versions not stated): gnomAD exomes below 0.00001.
gnomAD v4.1: 1 of 1,614,162 alleles (0.000062%); highest among the groups gnomAD compares: Non-Finnish European, 0.000085%; no homozygotes.

Submissions (6):

Ambry Genetics
Classification: Uncertain significance for Hereditary cancer-predisposing syndrome. Last evaluated: 2025-12-03. Review status: criteria provided, single submitter. Criteria: Ambry Variant Classification Scheme 2023. Collection method: clinical testing. Allele origin: germline.
Comment: The p.S1566Y variant (also known as c.4697C>A), located in coding exon 14 of the BRCA1 gene, results from a C to A substitution at nucleotide position 4697. The serine at codon 1566 is replaced by tyrosine, an amino acid with dissimilar properties. This amino acid position is highly conserved in available vertebrate species. In addition, this alteration is predicted to be deleterious by in silico analysis. Since supporting evidence is limited at this time, the clinical significance of this alteration remains unclear.

Labcorp Genetics (formerly Invitae), Labcorp
Classification: Uncertain significance for Hereditary breast ovarian cancer syndrome. Last evaluated: 2025-06-16. Review status: criteria provided, single submitter. Criteria: Invitae Variant Classification Sherloc (09022015). Collection method: clinical testing. Allele origin: germline.
Comment: This sequence change replaces serine, which is neutral and polar, with tyrosine, which is neutral and polar, at codon 1566 of the BRCA1 protein (p.Ser1566Tyr). This variant is not present in population databases (gnomAD no frequency). This variant has not been reported in the literature in individuals affected with BRCA1-related conditions. ClinVar contains an entry for this variant (Variation ID: 409298). Invitae Evidence Modeling of protein sequence and biophysical properties (such as structural, functional, and spatial information, amino acid conservation, physicochemical variation, residue mobility, and thermodynamic stability) has been performed for this missense variant. However, the output from this modeling did not meet the statistical confidence thresholds required to predict the impact of this variant on BRCA1 protein function. In summary, the available evidence is currently insufficient to determine the role of this variant in disease. Therefore, it has been classified as a Variant of Uncertain Significance.

MGZ Medical Genetics Center
Classification: Likely benign for Familial cancer of breast. Last evaluated: 2024-02-09. Review status: criteria provided, single submitter. Criteria: CSpec BRCA1/2ACMG Rules Specifications V1.1.0. Collection method: clinical testing. Allele origin: germline. Affected: yes.
Comment: ACMG codes applied following ENIGMA VCEP rules: BP1_STR, PM2_SUP

Color Diagnostics, LLC DBA Color Health
Classification: Uncertain significance for Hereditary cancer-predisposing syndrome. Last evaluated: 2023-02-27. Review status: criteria provided, single submitter. Criteria: ACMG Guidelines, 2015. Collection method: clinical testing. Allele origin: germline.
Comment: This missense variant replaces serine with tyrosine at codon 1566 of the BRCA1 protein. Computational prediction suggests that this variant may have deleterious impact on protein structure and function (internally defined REVEL score threshold >= 0.7, PMID: 27666373). To our knowledge, functional studies have not been reported for this variant. This variant has not been reported in individuals affected with BRCA1-related disorders in the literature. This variant has not been identified in the general population by the Genome Aggregation Database (gnomAD). The available evidence is insufficient to determine the role of this variant in disease conclusively. Therefore, this variant is classified as a Variant of Uncertain Significance.

PreventionGenetics, part of Exact Sciences
Classification: Uncertain significance for BRCA1-related condition. Last evaluated: 2022-08-26. Review status: criteria provided, single submitter. Criteria: ACMG Guidelines, 2015. Collection method: clinical testing. Allele origin: germline.
Comment: The BRCA1 c.4697C>A variant is predicted to result in the amino acid substitution p.Ser1566Tyr. To our knowledge, this variant has not been reported in the literature or in a large population database, indicating this variant is rare. At this time, the clinical significance of this variant is uncertain due to the absence of conclusive functional and genetic evidence.

Counsyl
Classification: Uncertain significance for Breast-ovarian cancer, familial, susceptibility to, 1. Last evaluated: 2017-12-07. Review status: no assertion criteria provided. Collection method: clinical testing. Allele origin: unknown. Not counted in ClinVar's aggregate classification.